The following is an entry in ClinVar:

ClinVar aggregate classification (germline): Likely benign. Review status: criteria provided, single submitter (1 of 4 stars). 2 submissions from 2 submitters: Likely benign (1). 1 of the submissions does not count toward it. Last evaluated 2024-05-26.

Conditions:
LCK-related disorder. Also called: LCK-related condition.
Severe combined immunodeficiency due to LCK deficiency. Also called: Immunodeficiency 22. Identifiers: Orphanet 280142, MedGen C4014233, MONDO:0014334, OMIM 615758.

Allele frequency attached by ClinVar (database versions not stated): gnomAD exomes 0.00001 and 0.00005; ExAC 0.00004.
gnomAD v4.1: 19 of 1,606,652 alleles (0.0012%); highest among the groups gnomAD compares: Admixed American, 0.027%; no homozygotes.

Submissions (2):

Labcorp Genetics (formerly Invitae), Labcorp
Classification: Likely benign for Severe combined immunodeficiency due to LCK deficiency. Last evaluated: 2024-05-26. Review status: criteria provided, single submitter. Criteria: Invitae Variant Classification Sherloc (09022015). Collection method: clinical testing. Allele origin: germline.

PreventionGenetics, part of Exact Sciences
Classification: Likely benign for LCK-related condition. Last evaluated: 2019-04-25. Review status: no assertion criteria provided. Collection method: clinical testing. Allele origin: germline. Not counted in ClinVar's aggregate classification.
Comment: This variant is classified as likely benign based on ACMG/AMP sequence variant interpretation guidelines (Richards et al. 2015 PMID: 25741868, with internal and published modifications).

NM_005356.5(LCK):c.785-5C>T

Gene: LCK (LCK proto-oncogene, Src family tyrosine kinase; plus strand). Cytogenetic location: 1p35.2.
Variant type: single nucleotide variant.
Coding change: c.785-5C>T on transcript NM_005356.5 (MANE Select); 5 bases into the intron before coding-DNA position 785, C replaced by T.
Molecular consequence: intron variant.
Genome position (GRCh38, 1-based): chr1:32,276,602, C>T. VCF-style: chr1-32276602-C-T. GRCh37 (hg19) VCF-style: chr1-32742203-C-T.
Other names: c.632-5C>T (NM_001330468.2); c.785-5C>T (NM_001042771.3).
Identifiers: ClinVar variation 798021 (VCV000798021.12), dbSNP rs746656319, ClinGen allele CA741210.